The following is an entry in ClinVar:

NM_015030.2(FRYL):c.1801C>T (p.Gln601Ter)

Gene: FRYL (FRY like transcription coactivator; minus strand). Cytogenetic location: 4p11.
Variant type: single nucleotide variant.
Coding change: c.1801C>T on transcript NM_015030.2 (MANE Select); coding-DNA position 1801, C replaced by T.
Protein change: p.Gln601Ter; replaces glutamine 601 with a stop codon.
Molecular consequence: nonsense.
Genome position (GRCh38, 1-based): chr4:48,582,682, G>A on the plus strand (C>T on the coding strand, the complement: FRYL is on the minus strand). VCF-style: chr4-48582682-G-A. GRCh37 (hg19) VCF-style: chr4-48584699-G-A.
Other names: short protein forms Q601*.
Identifiers: ClinVar variation 4813731 (VCV004813731.1).

ClinVar aggregate classification (germline): Likely pathogenic (1 of 4 stars; one submission).

Conditions:
Pan-Chung-Bellen syndrome. Identifiers: MedGen C5975547, MONDO:0975953, OMIM 621049.

Submission:

Variantyx, Inc.
Classification: Likely pathogenic for Pan-Chung-Bellen syndrome. Last evaluated: 2025-05-02. Review status: criteria provided, single submitter. Criteria: Variantyx Assertion Criteria 2022. Collection method: clinical testing. Allele origin: germline. Inheritance: Autosomal dominant inheritance. Affected: yes.
Comment: This is a nonsense variant in the FRYL gene (OMIM: 620798). Pathogenic variants in this gene have been associated with autosomal dominant Pan-Chung-Bellen syndrome. This variant introduces a premature termination codon in exon 20 out of 64 and is expected to result in loss of function, which is a known disease mechanism for FRYL in this disorder (PMID: 38479391) (PVS1). This variant is absent from control populations (PM2) and has not been reported in individuals with FRYL-related disorders in the databases available for review. Based on the current evidence, this variant is classified as likely pathogenic for autosomal dominant Pan-Chung-Bellen syndrome.

Literature cited by the submitters: PubMed 38479391.